The following is an entry in ClinVar:

ClinVar aggregate classification (germline): Uncertain significance (1 of 4 stars; one submission).

Submission:

Dasa
Classification: Uncertain significance. Last evaluated: 2024-06-13. Review status: criteria provided, single submitter. Criteria: DASA Assertion Criteria. Collection method: clinical testing. Allele origin: germline.
Comment: NM_017570.5(OPLAH):c.404A>T (p.Glu135Val) is a missense variant that results in the substitution of glutamic acid with valine. This variant is rare in population databases. The currently available literature and clinical evidence are not sufficient to establish a definitive association between this variant and the reported condition. Therefore, this variant is classified as a variant of uncertain significance.

NM_017570.5(OPLAH):c.404A>T (p.Glu135Val)

Gene: OPLAH (5-oxoprolinase, ATP-hydrolysing; minus strand). Cytogenetic location: 8q24.3.
Variant type: single nucleotide variant.
Coding change: c.404A>T on transcript NM_017570.5 (MANE Select); coding-DNA position 404, A replaced by T.
Protein change: p.Glu135Val; replaces glutamic acid 135 with valine.
Molecular consequence: missense variant.
Genome position (GRCh38, 1-based): chr8:144,059,039, T>A on the plus strand (A>T on the coding strand, the complement: OPLAH is on the minus strand). VCF-style: chr8-144059039-T-A. GRCh37 (hg19) VCF-style: chr8-145113942-T-A.
Other names: short protein forms E135V.
Identifiers: ClinVar variation 4885062 (VCV004885062.2).